The following is an entry in ClinVar:

NM_000170.3(GLDC):c.2244G>A (p.Ser748=)

Gene: GLDC (glycine decarboxylase; minus strand). Cytogenetic location: 9p24.1.
Variant type: single nucleotide variant.
Coding change: c.2244G>A on transcript NM_000170.3 (MANE Select); coding-DNA position 2244, G replaced by A.
Protein change: p.Ser748=; no amino-acid change (serine 748 retained).
Molecular consequence: synonymous variant.
Genome position (GRCh38, 1-based): chr9:6,554,740, C>T on the plus strand (G>A on the coding strand, the complement: GLDC is on the minus strand). VCF-style: chr9-6554740-C-T. GRCh37 (hg19) VCF-style: chr9-6554740-C-T.
Identifiers: ClinVar variation 462867 (VCV000462867.24), dbSNP rs372693840, ClinGen allele CA4980315.
Genomic context (GRCh38, chr9:6,554,740, plus strand): 5'-CCCCATGCCAGGACCACCTCCTCCGTGGGGAATGCAGAAGGTCTTGTGAAGATTTAGGTG[C>T]GAGACATCAGACCCGAAGTCTCCAGGGCGACAGATTCCCACCTACCACAAAGGCAAGGGC-3'
Protein context (NP_000161.2, residues 738-758): CRPGDFGSDV[Ser748=]HLNLHKTFCI

ClinVar aggregate classification (germline): Likely benign. Review status: criteria provided, multiple submitters, no conflicts (2 of 4 stars). 4 submissions from 4 submitters: Likely benign (4). Last evaluated 2026-01-24.

Conditions:
Glycine encephalopathy. Also called: Nonketotic hyperglycinemia; Non-ketotic hyperglycinemia. Identifiers: Orphanet 407, MedGen C0751748, MONDO:0011612, HP:0008288.

Allele frequency attached by ClinVar (database versions not stated): ExAC 0.00014; ESP Exome Variant Server 0.00015; gnomAD exomes 0.00016; TOPMed 0.00016; gnomAD 0.00019.
gnomAD v4.1: 175 of 1,613,308 alleles (0.011%); highest among the groups gnomAD compares: South Asian, 0.048%; no homozygotes.

Submissions (4):

Labcorp Genetics (formerly Invitae), Labcorp
Classification: Likely benign for Glycine encephalopathy. Last evaluated: 2026-01-24. Review status: criteria provided, single submitter. Criteria: Invitae Variant Classification Sherloc (09022015). Collection method: clinical testing. Allele origin: germline.

CeGaT Center for Human Genetics Tuebingen
Classification: Likely benign. Last evaluated: 2025-07-01. Review status: criteria provided, single submitter. Criteria: CeGaT Center For Human Genetics Tuebingen Variant Classification Criteria Version 2. Collection method: clinical testing. Allele origin: germline. Affected: yes. Observed: 1 variant allele.
Comment: GLDC: BP4, BP7

Blueprint Genetics
Classification: Likely benign. Last evaluated: 2024-06-04. Review status: criteria provided, single submitter. Criteria: ACMG Guidelines, 2015. Collection method: clinical testing. Allele origin: germline.

GeneDx
Classification: Likely benign. Last evaluated: 2021-06-17. Review status: criteria provided, single submitter. Criteria: GeneDx Variant Classification Process June 2021. Collection method: clinical testing. Allele origin: germline. Affected: yes.